The following is an entry in ClinVar:

NM_000548.5(TSC2):c.661G>A (p.Val221Met)

Gene: TSC2 (TSC complex subunit 2; plus strand). Cytogenetic location: 16p13.3.
Variant type: single nucleotide variant.
Coding change: c.661G>A on transcript NM_000548.5 (MANE Select); coding-DNA position 661, G replaced by A.
Protein change: p.Val221Met; replaces valine 221 with methionine.
Molecular consequence: missense variant.
Genome position (GRCh38, 1-based): chr16:2,056,656, G>A. VCF-style: chr16-2056656-G-A. GRCh37 (hg19) VCF-style: chr16-2106657-G-A.
Other names: c.661G>A, p.Val221Met (NM_001077183.3, NM_001114382.3, NM_001363528.2 and 3 more transcripts); c.550G>A, p.Val184Met (NM_001318827.2); c.514G>A, p.Val172Met (NM_001318829.2); c.61G>A, p.Val21Met (NM_001318831.2); c.694G>A, p.Val232Met (NM_001318832.2); short protein forms V221M, V184M, V21M, V172M, V232M.
Identifiers: ClinVar variation 572608 (VCV000572608.9), dbSNP rs1567408059, ClinGen allele CA394312388.

ClinVar aggregate classification (germline): Uncertain significance. Review status: criteria provided, multiple submitters, no conflicts (2 of 4 stars). 2 submissions from 2 submitters: Uncertain significance (2). Last evaluated 2024-09-06.

Conditions:
Hereditary cancer-predisposing syndrome. Also called: Hereditary neoplastic syndrome; Neoplastic Syndromes, Hereditary; Hereditary Cancer Syndrome; Tumor predisposition. Identifiers: Orphanet 140162, MedGen C0027672, MeSH D009386, MONDO:0015356.
Tuberous sclerosis 2 (TSC2). Identifiers: Orphanet 805, MedGen C1860707, MONDO:0013199, OMIM 613254.

gnomAD v4.1: 1 of 1,611,416 alleles (0.000062%); no homozygotes.

Submissions (2):

Labcorp Genetics (formerly Invitae), Labcorp
Classification: Uncertain significance for Tuberous sclerosis 2. Last evaluated: 2024-09-06. Review status: criteria provided, single submitter. Criteria: Invitae Variant Classification Sherloc (09022015). Collection method: clinical testing. Allele origin: germline.
Comment: This sequence change replaces valine, which is neutral and non-polar, with methionine, which is neutral and non-polar, at codon 221 of the TSC2 protein (p.Val221Met). This variant is not present in population databases (gnomAD no frequency). This variant has not been reported in the literature in individuals affected with TSC2-related conditions. ClinVar contains an entry for this variant (Variation ID: 572608). Invitae Evidence Modeling of protein sequence and biophysical properties (such as structural, functional, and spatial information, amino acid conservation, physicochemical variation, residue mobility, and thermodynamic stability) indicates that this missense variant is not expected to disrupt TSC2 protein function with a negative predictive value of 95%. In summary, the available evidence is currently insufficient to determine the role of this variant in disease. Therefore, it has been classified as a Variant of Uncertain Significance.

Ambry Genetics
Classification: Uncertain significance for Hereditary cancer-predisposing syndrome. Last evaluated: 2024-03-06. Review status: criteria provided, single submitter. Criteria: Ambry Variant Classification Scheme 2023. Collection method: clinical testing. Allele origin: germline.
Comment: The p.V221M variant (also known as c.661G>A), located in coding exon 7 of the TSC2 gene, results from a G to A substitution at nucleotide position 661. The valine at codon 221 is replaced by methionine, an amino acid with highly similar properties. This amino acid position is highly conserved in available vertebrate species. In addition, this alteration is predicted to be deleterious by in silico analysis. Based on the available evidence, the clinical significance of this alteration remains unclear.